The following is an entry in ClinVar:

ClinVar aggregate classification (germline): Uncertain significance (1 of 4 stars; one submission).

Conditions:
Neuropathy, hereditary sensory and autonomic, type 2A (HSAN2A). Also called: WNK1-Related HSAN2 (HSAN2A); ACROOSTEOLYSIS, GIACCAI TYPE; ACROOSTEOLYSIS, NEUROGENIC; MORVAN DISEASE; NEUROPATHY, CONGENITAL SENSORY; NEUROPATHY, HEREDITARY SENSORY RADICULAR, AUTOSOMAL RECESSIVE. Identifiers: Orphanet 970, MedGen C2752089, MONDO:0024309, OMIM 201300.
Pseudohypoaldosteronism type 2C (PHA2C). Also called: Pseudohypoaldosteronism Type IIC. Identifiers: Orphanet 757, Orphanet 88940, MedGen C1840391, MONDO:0013778, OMIM 614492.

Submission:

Labcorp Genetics (formerly Invitae), Labcorp
Classification: Uncertain significance for Neuropathy, hereditary sensory and autonomic, type 2A; Pseudohypoaldosteronism type 2C. Last evaluated: 2018-03-28. Review status: criteria provided, single submitter. Criteria: Invitae Variant Classification Sherloc (09022015). Collection method: clinical testing. Allele origin: germline.
Comment: This variant is present in population databases (rs530093512, ExAC 0.2%). This variant has not been reported in the literature in individuals with WNK1-related disease. In summary, the available evidence is currently insufficient to determine the role of this variant in disease. Therefore, it has been classified as a Variant of Uncertain Significance. This variant, c.4580_4582delinsGAA, is a complex sequence change that results in the deletion and insertion of 2 amino acids of the WNK1 protein (p.Thr1527_Ser1528delinsArgThr). Experimental studies and prediction algorithms are not available for this variant, and the functional significance of the disrupted amino acids is currently unknown.

NM_018979.4(WNK1):c.4580_4582delinsGAA (p.His1527_Ser1528delinsArgThr)

Gene: WNK1 (WNK lysine deficient protein kinase 1; plus strand). Cytogenetic location: 12p13.33.
Variant type: Indel.
Coding change: c.4580_4582delinsGAA on transcript NM_018979.4 (MANE Select); coding-DNA positions 4580 to 4582, ACT replaced by GAA.
Protein change: p.His1527_Ser1528delinsArgThr.
Molecular consequence: missense variant.
Genome position (GRCh38, 1-based): chr12:885,384-885,386, ACT replaced by GAA. VCF-style: chr12-885384-ACT-GAA. GRCh37 (hg19) VCF-style: chr12-994550-ACT-GAA.
Other names: c.5360_5362delinsGAA, p.His1787_Ser1788delinsArgThr (NM_001184985.2); c.3839_3841delinsGAA, p.His1280_Ser1281delinsArgThr (NM_014823.3); c.5336_5338delinsGAA, p.His1779_Ser1780delinsArgThr (NM_213655.5).
Identifiers: ClinVar variation 4790952 (VCV004790952.1).